The following is an entry in ClinVar:

NM_000263.4(NAGLU):c.614G>C (p.Gly205Ala)

Gene: NAGLU (N-acetyl-alpha-glucosaminidase; plus strand). Cytogenetic location: 17q21.2.
Variant type: single nucleotide variant.
Coding change: c.614G>C on transcript NM_000263.4 (MANE Select); coding-DNA position 614, G replaced by C.
Protein change: p.Gly205Ala; replaces glycine 205 with alanine.
Molecular consequence: missense variant.
Genome position (GRCh38, 1-based): chr17:42,538,421, G>C. VCF-style: chr17-42538421-G-C. GRCh37 (hg19) VCF-style: chr17-40690439-G-C.
Other names: short protein forms G205A.
Identifiers: ClinVar variation 2105522 (VCV002105522.4), dbSNP rs2510653253, ClinGen allele CA399598550.
Genomic context (GRCh38, chr17:42,538,421, plus strand): 5'-CCCAGGCAGAGATCAATGAGTTCTTTACTGGTCCTGCCTTCCTGGCCTGGGGGCGAATGG[G>C]CAACCTGCACACCTGGGATGGCCCCCTGCCCCCCTCCTGGCACATCAAGCAGCTTTACCT-3'
Protein context (NP_000254.2, residues 195-215): GPAFLAWGRM[Gly205Ala]NLHTWDGPLP

ClinVar aggregate classification (germline): Uncertain significance (1 of 4 stars; one submission).

Conditions:
Charcot-Marie-Tooth disease axonal type 2V. Also called: CHARCOT-MARIE-TOOTH NEUROPATHY, TYPE 2V; CHARCOT-MARIE-TOOTH DISEASE, AXONAL, AUTOSOMAL DOMINANT, TYPE 2V. Identifiers: Orphanet 447964, MedGen C5569050, MONDO:0014665, OMIM 616491.
Mucopolysaccharidosis, MPS-III-B (MPS3B). Also called: N-ACETYL-ALPHA-D-GLUCOSAMINIDASE DEFICIENCY; NAGLU DEFICIENCY; SANFILIPPO SYNDROME B; MPS III B; MUCOPOLYSACCHARIDOSIS, TYPE IIIB; MPS IIIB (Sanfilippo Syndrome Type B). Identifiers: Orphanet 79270, MedGen C0086648, MONDO:0009656, OMIM 252920.

Submission:

Labcorp Genetics (formerly Invitae), Labcorp
Classification: Uncertain significance for Charcot-Marie-Tooth disease axonal type 2V; Mucopolysaccharidosis, MPS-III-B. Last evaluated: 2022-03-01. Review status: criteria provided, single submitter. Criteria: Invitae Variant Classification Sherloc (09022015). Collection method: clinical testing. Allele origin: germline.
Comment: In summary, the available evidence is currently insufficient to determine the role of this variant in disease. Therefore, it has been classified as a Variant of Uncertain Significance. Advanced modeling of protein sequence and biophysical properties (such as structural, functional, and spatial information, amino acid conservation, physicochemical variation, residue mobility, and thermodynamic stability) performed at Invitae indicates that this missense variant is expected to disrupt NAGLU protein function. This variant has not been reported in the literature in individuals affected with NAGLU-related conditions. This variant is not present in population databases (gnomAD no frequency). This sequence change replaces glycine, which is neutral and non-polar, with alanine, which is neutral and non-polar, at codon 205 of the NAGLU protein (p.Gly205Ala).